The following is an entry in ClinVar:

ClinVar aggregate classification (germline): Conflicting classifications of pathogenicity. Review status: criteria provided, conflicting classifications (1 of 4 stars). 8 submissions from 8 submitters: Uncertain significance (2); Benign (3); Likely benign (3). Last evaluated 2026-02-01.

Conditions:
Charcot-Marie-Tooth disease axonal type 2S. Also called: CHARCOT-MARIE-TOOTH NEUROPATHY, TYPE 2S; CHARCOT-MARIE-TOOTH DISEASE, AXONAL, AUTOSOMAL RECESSIVE, TYPE 2S. Identifiers: Orphanet 443073, MedGen C4015349, MONDO:0014511, OMIM 616155.
Autosomal recessive distal spinal muscular atrophy 1. Also called: SEVERE INFANTILE AXONAL NEUROPATHY WITH RESPIRATORY FAILURE; SPINAL MUSCULAR ATROPHY, DIAPHRAGMATIC; Spinal muscular atrophy with respiratory distress 1; NEURONOPATHY, SEVERE INFANTILE AXONAL, WITH RESPIRATORY FAILURE; NEURONOPATHY, DISTAL HEREDITARY MOTOR, HARDING TYPE VI; NEUROPATHY, DISTAL HEREDITARY MOTOR, AUTOSOMAL RECESSIVE 1. Identifiers: Orphanet 98920, MedGen C1858517, MONDO:0011436, OMIM 604320.
Charcot-Marie-Tooth disease. Also called: Charcot-Marie-Tooth Neuropathy; Charcot-Marie-Tooth Hereditary Neuropathy. Identifiers: Orphanet 166, MedGen C0007959, MONDO:0015626.

Allele frequency attached by ClinVar (database versions not stated): gnomAD exomes 0.00067 and 0.00156; gnomAD 0.00093 and 0.00096; ESP Exome Variant Server 0.00108; TOPMed 0.00109; ExAC 0.00117.
gnomAD v4.1: 1,210 of 1,612,036 alleles (0.075%); highest among the groups gnomAD compares: Admixed American, 0.12%; 18 homozygotes.

Submissions (8):

Labcorp Genetics (formerly Invitae), Labcorp
Classification: Benign for Autosomal recessive distal spinal muscular atrophy 1; Charcot-Marie-Tooth disease axonal type 2S. Last evaluated: 2026-02-01. Review status: criteria provided, single submitter. Criteria: Invitae Variant Classification Sherloc (09022015). Collection method: clinical testing. Allele origin: germline.

ARUP Laboratories, Molecular Genetics and Genomics, ARUP Laboratories
Classification: Likely benign. Last evaluated: 2023-11-07. Review status: criteria provided, single submitter. Criteria: ARUP Molecular Germline Variant Investigation Process 2024. Collection method: clinical testing. Allele origin: germline.

CeGaT Center for Human Genetics Tuebingen
Classification: Likely benign. Last evaluated: 2022-03-01. Review status: criteria provided, single submitter. Criteria: CeGaT Center For Human Genetics Tuebingen Variant Classification Criteria Version 2. Collection method: clinical testing. Allele origin: germline. Affected: yes. Observed: 1 variant allele.
Comment: IGHMBP2: BP4, BP7

Mayo Clinic Laboratories, Mayo Clinic
Classification: Benign. Last evaluated: 2020-07-23. Review status: criteria provided, single submitter. Criteria: ACMG Guidelines, 2015. Collection method: clinical testing. Allele origin: germline. Observed: 2 variant alleles.

GeneDx
Classification: Benign. Last evaluated: 2019-05-20. Review status: criteria provided, single submitter. Criteria: GeneDx Variant Classification Process June 2021. Collection method: clinical testing. Allele origin: germline. Affected: yes.

Illumina Laboratory Services, Illumina
Classification: Uncertain significance for Autosomal recessive distal spinal muscular atrophy 1. Last evaluated: 2018-01-13. Review status: criteria provided, single submitter. Criteria: ICSL Variant Classification Criteria 13 December 2019. Collection method: clinical testing. Allele origin: germline.

Eurofins Ntd Llc (ga)
Classification: Uncertain significance. Last evaluated: 2015-01-30. Review status: criteria provided, single submitter. Criteria: EGL Classification Definitions 2015. Collection method: clinical testing. Allele origin: germline. Observed: 1 variant allele, 1 heterozygote.

Molecular Genetics Laboratory, London Health Sciences Centre
Classification: Likely benign for Charcot-Marie-Tooth disease. Review status: criteria provided, single submitter. Criteria: ACMG Guidelines, 2015. Collection method: clinical testing. Allele origin: germline. Affected: yes.

NM_002180.3(IGHMBP2):c.2793C>T (p.Gly931=)

Gene: IGHMBP2 (immunoglobulin mu DNA binding protein 2; plus strand). Cytogenetic location: 11q13.3.
Variant type: single nucleotide variant.
Coding change: c.2793C>T on transcript NM_002180.3 (MANE Select); coding-DNA position 2793, C replaced by T.
Protein change: p.Gly931=; no amino-acid change (glycine 931 retained).
Molecular consequence: synonymous variant.
Genome position (GRCh38, 1-based): chr11:68,939,542, C>T. VCF-style: chr11-68939542-C-T. GRCh37 (hg19) VCF-style: chr11-68707010-C-T.
Other names: p.Gly931=.
Identifiers: ClinVar variation 194495 (VCV000194495.55), dbSNP rs139926138, ClinGen allele CA240499.